The following is an entry in ClinVar:

ClinVar aggregate classification (germline): Benign/Likely benign. Review status: criteria provided, multiple submitters, no conflicts (2 of 4 stars). 3 submissions from 3 submitters: Benign (2); Likely benign (1). Last evaluated 2025-07-01.

Allele frequency attached by ClinVar (database versions not stated): gnomAD 0.00005; TOPMed 0.00006.
gnomAD v4.1: 121 of 1,613,948 alleles (0.0075%); highest among the groups gnomAD compares: Non-Finnish European, 0.0092%; no homozygotes.

Submissions (3):

CeGaT Center for Human Genetics Tuebingen
Classification: Likely benign. Last evaluated: 2025-07-01. Review status: criteria provided, single submitter. Criteria: CeGaT Center For Human Genetics Tuebingen Variant Classification Criteria Version 2. Collection method: clinical testing. Allele origin: germline. Affected: yes. Observed: 1 variant allele.
Comment: SPTBN2: BP4

Labcorp Genetics (formerly Invitae), Labcorp
Classification: Benign. Last evaluated: 2022-11-03. Review status: criteria provided, single submitter. Criteria: Invitae Variant Classification Sherloc (09022015). Collection method: clinical testing. Allele origin: germline.

Athena Diagnostics
Classification: Benign. Last evaluated: 2017-12-30. Review status: criteria provided, single submitter. Criteria: Athena Diagnostics Criteria. Collection method: clinical testing. Allele origin: germline.

NM_006946.4(SPTBN2):c.6386G>A (p.Arg2129Gln)

Gene: SPTBN2 (spectrin beta, non-erythrocytic 2; minus strand). Cytogenetic location: 11q13.2.
Variant type: single nucleotide variant.
Coding change: c.6386G>A on transcript NM_006946.4 (MANE Select); coding-DNA position 6386, G replaced by A.
Protein change: p.Arg2129Gln; replaces arginine 2129 with glutamine.
Molecular consequence: missense variant.
Genome position (GRCh38, 1-based): chr11:66,688,068, C>T on the plus strand (G>A on the coding strand, the complement: SPTBN2 is on the minus strand). VCF-style: chr11-66688068-C-T. GRCh37 (hg19) VCF-style: chr11-66455539-C-T.
Other names: short protein forms R2129Q.
Identifiers: ClinVar variation 586489 (VCV000586489.17), dbSNP rs777143650, ClinGen allele CA6127945.